The following is an entry in ClinVar:

ClinVar aggregate classification (germline): Uncertain significance (1 of 4 stars; one submission).

gnomAD v4.1: 2 of 1,599,022 alleles (0.00013%); highest among the groups gnomAD compares: Non-Finnish European, 0.000085%; no homozygotes.

Submission:

Labcorp Genetics (formerly Invitae), Labcorp
Classification: Uncertain significance. Last evaluated: 2022-05-03. Review status: criteria provided, single submitter. Criteria: Invitae Variant Classification Sherloc (09022015). Collection method: clinical testing. Allele origin: germline.
Comment: This variant is not present in population databases (gnomAD no frequency). This variant has not been reported in the literature in individuals affected with PTPN23-related conditions. Algorithms developed to predict the effect of missense changes on protein structure and function are either unavailable or do not agree on the potential impact of this missense change (SIFT: "Tolerated"; PolyPhen-2: "Not Available"; Align-GVGD: "Class C0"). In summary, the available evidence is currently insufficient to determine the role of this variant in disease. Therefore, it has been classified as a Variant of Uncertain Significance. This sequence change replaces proline, which is neutral and non-polar, with serine, which is neutral and polar, at codon 793 of the PTPN23 protein (p.Pro793Ser).

NM_015466.4(PTPN23):c.2377C>T (p.Pro793Ser)

Gene: PTPN23 (protein tyrosine phosphatase non-receptor type 23; plus strand). Cytogenetic location: 3p21.31.
Variant type: single nucleotide variant.
Coding change: c.2377C>T on transcript NM_015466.4 (MANE Select); coding-DNA position 2377, C replaced by T.
Protein change: p.Pro793Ser; replaces proline 793 with serine.
Molecular consequence: missense variant.
Genome position (GRCh38, 1-based): chr3:47,410,175, C>T. VCF-style: chr3-47410175-C-T. GRCh37 (hg19) VCF-style: chr3-47451665-C-T.
Other names: c.1999C>T, p.Pro667Ser (NM_001304482.2); short protein forms P667S, P793S.
Identifiers: ClinVar variation 1494430 (VCV001494430.6), dbSNP rs2107721975, ClinGen allele CA352558579.